The following is an entry in ClinVar:

NM_004260.4(RECQL4):c.14_34dup (p.Arg5_Leu11dup)

Genes: RECQL4 (RecQ like helicase 4; minus strand), LOC130001411 (ATAC-STARR-seq lymphoblastoid silent region 19699; plus strand). Cytogenetic location: 8q24.3.
Variant type: Duplication.
Coding change: c.14_34dup on transcript NM_004260.4 (MANE Select); coding-DNA positions 14 to 34, 21 bases duplicated (GGGACGTGCGGGAGCGGCTGC).
Protein change: p.Arg5_Leu11dup.
Molecular consequence: inframe insertion, initiator codon variant.
Genome position (GRCh38, 1-based): chr8:144,517,751-144,517,771, GCAGCCGCTCCCGCACGTCCC duplicated on the plus strand (GGGACGTGCGGGAGCGGCTGC on the coding strand, the reverse complement: RECQL4 is on the minus strand); duplicating any 21 consecutive bases within chr8:144,517,751-144,517,782 gives the same sequence; the c. name uses the placement nearest the transcript's 3' end. VCF-style (leftmost placement, unchanged base first): chr8-144517750-T-TGCAGCCGCTCCCGCACGTCCC. GRCh37 (hg19) VCF-style: chr8-145743134-T-TGCAGCCGCTCCCGCACGTCCC.
Identifiers: ClinVar variation 528928 (VCV000528928.7), dbSNP rs1445577376, ClinGen allele CA585833127.

ClinVar aggregate classification (germline): Uncertain significance (1 of 4 stars; one submission).

Conditions:
Baller-Gerold syndrome (BGS). Also called: CRANIOSYNOSTOSIS WITH RADIAL DEFECTS. Identifiers: Orphanet 1225, MedGen C0265308, MONDO:0009039, OMIM 218600.

Submission:

Labcorp Genetics (formerly Invitae), Labcorp
Classification: Uncertain significance for Baller-Gerold syndrome. Last evaluated: 2023-11-28. Review status: criteria provided, single submitter. Criteria: Invitae Variant Classification Sherloc (09022015). Collection method: clinical testing. Allele origin: germline.
Comment: This variant, c.14_34dup, is a complex sequence change that results in the duplication of 7 amino acid(s) in the RECQL4 protein (p.Arg5_Leu11dup). This variant is present in population databases (no rsID available, gnomAD 0.01%). This variant has not been reported in the literature in individuals affected with RECQL4-related conditions. ClinVar contains an entry for this variant (Variation ID: 528928). Experimental studies and prediction algorithms are not available or were not evaluated, and the functional significance of this variant is currently unknown. In summary, the available evidence is currently insufficient to determine the role of this variant in disease. Therefore, it has been classified as a Variant of Uncertain Significance.